The following is an entry in ClinVar:

NC_000015.9:g.(?_34634149)_(34635294_?)del

Gene: NOP10 (NOP10 ribonucleoprotein; minus strand). Cytogenetic location: 15q14.
Variant type: Deletion.
Identifiers: ClinVar variation 1000345 (VCV001000345.5).

ClinVar aggregate classification (germline): Uncertain significance (1 of 4 stars; one submission).

Conditions:
Dyskeratosis congenita, autosomal recessive 1. Identifiers: Orphanet 1775, MedGen C1857144, MONDO:0009136, OMIM 224230.

Submission:

Labcorp Genetics (formerly Invitae), Labcorp
Classification: Uncertain significance for Dyskeratosis congenita, autosomal recessive 1. Last evaluated: 2020-07-29. Review status: criteria provided, single submitter. Criteria: Invitae Variant Classification Sherloc (09022015). Collection method: clinical testing. Allele origin: germline.
Comment: A gross deletion of the genomic region encompassing the full coding sequence of the NOP10 gene has been identified. The boundaries of this event are unknown as the deletion extends beyond the assayed region for this gene and therefore may encompass additional genes. This variant has not been reported in the literature in individuals with NOP10-related conditions. The current clinical and genetic evidence is not sufficient to establish whether loss-of-function variants in NOP10 cause disease. In summary, the available evidence is currently insufficient to determine the role of this variant in disease. Therefore, it has been classified as a Variant of Uncertain Significance.